The following is an entry in ClinVar:

NM_004204.5(PIGQ):c.986G>A (p.Gly329Asp)

Gene: PIGQ (phosphatidylinositol glycan anchor biosynthesis class Q; plus strand). Cytogenetic location: 16p13.3.
Variant type: single nucleotide variant.
Coding change: c.986G>A on transcript NM_004204.5 (MANE Select); coding-DNA position 986, G replaced by A.
Protein change: p.Gly329Asp; replaces glycine 329 with aspartic acid.
Molecular consequence: missense variant.
Genome position (GRCh38, 1-based): chr16:578,422, G>A. VCF-style: chr16-578422-G-A. GRCh37 (hg19) VCF-style: chr16-628422-G-A.
Other names: c.986G>A, p.Gly329Asp (NM_148920.4); short protein forms G329D.
Identifiers: ClinVar variation 1402655 (VCV001402655.8), dbSNP rs1274248153, ClinGen allele CA394055629.

ClinVar aggregate classification (germline): Uncertain significance (1 of 4 stars; one submission).

Conditions:
Epilepsy. Also called: Seizure disorder. Identifiers: MedGen C0014544, MeSH D004827, MONDO:0005027.

Allele frequency attached by ClinVar (database versions not stated): gnomAD 0.00001; gnomAD exomes 0.00001 and 0.00002; TOPMed 0.00001.
gnomAD v4.1: 30 of 1,612,192 alleles (0.0019%); highest among the groups gnomAD compares: Non-Finnish European, 0.0023%; no homozygotes.

Submission:

Labcorp Genetics (formerly Invitae), Labcorp
Classification: Uncertain significance for Epilepsy. Last evaluated: 2024-02-16. Review status: criteria provided, single submitter. Criteria: Invitae Variant Classification Sherloc (09022015). Collection method: clinical testing. Allele origin: germline.
Comment: This sequence change replaces glycine, which is neutral and non-polar, with aspartic acid, which is acidic and polar, at codon 329 of the PIGQ protein (p.Gly329Asp). This variant is present in population databases (no rsID available, gnomAD 0.003%). This variant has not been reported in the literature in individuals affected with PIGQ-related conditions. ClinVar contains an entry for this variant (Variation ID: 1402655). An algorithm developed to predict the effect of missense changes on protein structure and function (PolyPhen-2) suggests that this variant is likely to be disruptive. In summary, the available evidence is currently insufficient to determine the role of this variant in disease. Therefore, it has been classified as a Variant of Uncertain Significance.